The following is an entry in ClinVar:

NM_001358530.2(MOCS1):c.4G>A (p.Ala2Thr)

Gene: MOCS1 (molybdenum cofactor synthesis 1; minus strand). Cytogenetic location: 6p21.2.
Variant type: single nucleotide variant.
Coding change: c.4G>A on transcript NM_001358530.2 (MANE Select); coding-DNA position 4, G replaced by A.
Protein change: p.Ala2Thr; replaces alanine 2 with threonine.
Molecular consequence: missense variant. On other transcripts: 5 prime UTR variant (2), non-coding transcript variant (1).
Genome position (GRCh38, 1-based): chr6:39,934,414, C>T on the plus strand (G>A on the coding strand, the complement: MOCS1 is on the minus strand). VCF-style: chr6-39934414-C-T. GRCh37 (hg19) VCF-style: chr6-39902153-C-T.
Other names: c.4G>A, p.Ala2Thr (NM_001075098.4, NM_001358529.2); c.-131G>A (NM_001358531.2, NM_001358533.2); short protein forms A2T.
Identifiers: ClinVar variation 1007267 (VCV001007267.4), dbSNP rs553972916, ClinGen allele CA3796513.

ClinVar aggregate classification (germline): Uncertain significance (1 of 4 stars; one submission).

Conditions:
Sulfite oxidase deficiency due to molybdenum cofactor deficiency type A. Also called: Molybdenum cofactor deficiency, complementation group A; Molybdenum Cofactor Deficiency A. Identifiers: Orphanet 308386, Orphanet 833, MedGen C1854988, MONDO:0009643, OMIM 252150.

Allele frequency attached by ClinVar (database versions not stated): gnomAD exomes 0.00001 and 0.00003; TOPMed 0.00015; ExAC 0.00016; gnomAD 0.00019 and 0.00020; 1000 Genomes Project 30x 0.00047; 1000 Genomes Project 0.00100.
gnomAD v4.1: 38 of 1,567,746 alleles (0.0024%); highest among the groups gnomAD compares: African/African-American, 0.044%; no homozygotes.

Submission:

Labcorp Genetics (formerly Invitae), Labcorp
Classification: Uncertain significance for Sulfite oxidase deficiency due to molybdenum cofactor deficiency type A. Last evaluated: 2022-10-18. Review status: criteria provided, single submitter. Criteria: Invitae Variant Classification Sherloc (09022015). Collection method: clinical testing. Allele origin: germline.
Comment: This sequence change replaces alanine, which is neutral and non-polar, with threonine, which is neutral and polar, at codon 2 of the MOCS1 protein (p.Ala2Thr). The frequency data for this variant in the population databases is considered unreliable, as metrics indicate poor data quality at this position in the gnomAD database. This variant has not been reported in the literature in individuals affected with MOCS1-related conditions. ClinVar contains an entry for this variant (Variation ID: 1007267). Algorithms developed to predict the effect of missense changes on protein structure and function are either unavailable or do not agree on the potential impact of this missense change (SIFT: "Deleterious"; PolyPhen-2: "Not Available"; Align-GVGD: "Class C0"). In summary, the available evidence is currently insufficient to determine the role of this variant in disease. Therefore, it has been classified as a Variant of Uncertain Significance.